The following is an entry in ClinVar:

NM_004393.6(DAG1):c.815C>G (p.Pro272Arg)

Gene: DAG1 (dystroglycan 1; plus strand). Cytogenetic location: 3p21.31.
Variant type: single nucleotide variant.
Coding change: c.815C>G on transcript NM_004393.6 (MANE Select); coding-DNA position 815, C replaced by G.
Protein change: p.Pro272Arg; replaces proline 272 with arginine.
Molecular consequence: missense variant.
Genome position (GRCh38, 1-based): chr3:49,531,326, C>G. VCF-style: chr3-49531326-C-G. GRCh37 (hg19) VCF-style: chr3-49568759-C-G.
Other names: c.815C>G, p.Pro272Arg (NM_001165928.4, NM_001177634.3, NM_001177635.3 and 9 more transcripts); short protein forms P272R.
Identifiers: ClinVar variation 1009193 (VCV001009193.5), dbSNP rs371509534, ClinGen allele CA352794144.

ClinVar aggregate classification (germline): Uncertain significance (1 of 4 stars; one submission).

Conditions:
Autosomal recessive limb-girdle muscular dystrophy type 2P. Also called: Limb-Girdle Muscular Dystrophy Type 9C; MUSCULAR DYSTROPHY, LIMB-GIRDLE, TYPE 2P; MUSCULAR DYSTROPHY-DYSTROGLYCANOPATHY, LIMB-GIRDLE, DAG1-RELATED. Identifiers: Orphanet 280333, MedGen C4511963, MONDO:0013440, OMIM 613818.
Muscular dystrophy-dystroglycanopathy (congenital with brain and eye anomalies), type A9. Also called: WALKER-WARBURG SYNDROME OR MUSCLE-EYE BRAIN DISEASE, DAG1-RELATED; Muscular dystrophy-dystroglycanopathy (congenital with brain and eye anomalies), type a, 9. Identifiers: Orphanet 370997, Orphanet 899, MedGen C4225291, MONDO:0014683, OMIM 616538.

gnomAD v4.1: 6 of 1,614,194 alleles (0.00037%); highest among the groups gnomAD compares: South Asian, 0.0066%; no homozygotes.

Submission:

Labcorp Genetics (formerly Invitae), Labcorp
Classification: Uncertain significance for Autosomal recessive limb-girdle muscular dystrophy type 2P; Muscular dystrophy-dystroglycanopathy (congenital with brain and eye anomalies), type A9. Last evaluated: 2024-02-24. Review status: criteria provided, single submitter. Criteria: Invitae Variant Classification Sherloc (09022015). Collection method: clinical testing. Allele origin: germline.
Comment: This sequence change replaces proline, which is neutral and non-polar, with arginine, which is basic and polar, at codon 272 of the DAG1 protein (p.Pro272Arg). This variant is not present in population databases (gnomAD no frequency). This variant has not been reported in the literature in individuals affected with DAG1-related conditions. ClinVar contains an entry for this variant (Variation ID: 1009193). Advanced modeling of protein sequence and biophysical properties (such as structural, functional, and spatial information, amino acid conservation, physicochemical variation, residue mobility, and thermodynamic stability) has been performed at Invitae for this missense variant, however the output from this modeling did not meet the statistical confidence thresholds required to predict the impact of this variant on DAG1 protein function. In summary, the available evidence is currently insufficient to determine the role of this variant in disease. Therefore, it has been classified as a Variant of Uncertain Significance.